The following is an entry in ClinVar:

ClinVar aggregate classification (germline): Uncertain significance (1 of 4 stars; one submission).

Conditions:
Hereditary spastic paraplegia 30. Identifiers: Orphanet 101010, MedGen C5235139, MONDO:0012476.
Neuropathy, hereditary sensory, type 2C. Also called: Hereditary sensory and autonomic neuropathy type IIC; KIF1A-Related HSAN2 (HSAN2C). Identifiers: Orphanet 970, MedGen C3280168, MONDO:0013634, OMIM 614213.
Intellectual disability, autosomal dominant 9 (NESCAVS). Also called: NESCAV SYNDROME; KIF1A-Related Neurodevelopmental Disorder. Identifiers: Orphanet 662367, MedGen C5393830, MONDO:0013656, OMIM 614255.

Allele frequency attached by ClinVar (database versions not stated): gnomAD exomes below 0.00001; TOPMed below 0.00001.
gnomAD v4.1: 4 of 1,612,086 alleles (0.00025%); highest among the groups gnomAD compares: East Asian, 0.0089%; no homozygotes.

Submission:

Labcorp Genetics (formerly Invitae), Labcorp
Classification: Uncertain significance for Hereditary spastic paraplegia 30; Neuropathy, hereditary sensory, type 2C; Intellectual disability, autosomal dominant 9. Last evaluated: 2022-10-21. Review status: criteria provided, single submitter. Criteria: Invitae Variant Classification Sherloc (09022015). Collection method: clinical testing. Allele origin: germline.
Comment: This sequence change falls in intron 18 of the KIF1A gene. It does not directly change the encoded amino acid sequence of the KIF1A protein. It affects a nucleotide within the consensus splice site. This variant is present in population databases (no rsID available, gnomAD 0.02%). This variant has not been reported in the literature in individuals affected with KIF1A-related conditions. Variants that disrupt the consensus splice site are a relatively common cause of aberrant splicing (PMID: 17576681, 9536098). Algorithms developed to predict the effect of sequence changes on RNA splicing suggest that this variant is not likely to affect RNA splicing. In summary, the available evidence is currently insufficient to determine the role of this variant in disease. Therefore, it has been classified as a Variant of Uncertain Significance.

Literature cited by the submitters: PubMed 17576681; PubMed 9536098.

NM_001244008.2(KIF1A):c.1768+6G>A

Gene: KIF1A (kinesin family member 1A; minus strand). Cytogenetic location: 2q37.3.
Variant type: single nucleotide variant.
Coding change: c.1768+6G>A on transcript NM_001244008.2 (MANE Select); 6 bases into the intron after coding-DNA position 1768, G replaced by A.
Molecular consequence: intron variant.
Genome position (GRCh38, 1-based): chr2:240,765,704, C>T on the plus strand (G>A on the coding strand, the complement: KIF1A is on the minus strand). VCF-style: chr2-240765704-C-T. GRCh37 (hg19) VCF-style: chr2-241705121-C-T.
Other names: c.1741+6G>A (NM_001379653.1, NM_001379650.1, NM_001379645.1 and 10 more transcripts); c.1843+6G>A (NM_001379635.1, NM_001330290.2, NM_001379646.1 and 2 more transcripts); c.1816+6G>A (NM_001379637.1, NM_001379648.1); c.1768+6G>A (NM_001320705.2, NM_001379638.1, NM_001330289.2).
Identifiers: ClinVar variation 1986318 (VCV001986318.4), dbSNP rs1346821701, ClinGen allele CA540552861.